The following is an entry in ClinVar:

NM_000465.4(BARD1):c.158+6G>A

Gene: BARD1 (BRCA1 associated RING domain 1; minus strand). Cytogenetic location: 2q35.
Variant type: single nucleotide variant.
Coding change: c.158+6G>A on transcript NM_000465.4 (MANE Select); 6 bases into the intron after coding-DNA position 158, G replaced by A.
Molecular consequence: intron variant.
Genome position (GRCh38, 1-based): chr2:214,809,406, C>T on the plus strand (G>A on the coding strand, the complement: BARD1 is on the minus strand). VCF-style: chr2-214809406-C-T. GRCh37 (hg19) VCF-style: chr2-215674130-C-T.
Other names: c.158+6G>A (NM_001282548.2, NM_001282543.2, NM_001282545.2 and 1 more transcripts).
Identifiers: ClinVar variation 1775679 (VCV001775679.4), dbSNP rs1696451585, ClinGen allele CA2580065596.

ClinVar aggregate classification (germline): Conflicting classifications of pathogenicity. Review status: criteria provided, conflicting classifications (1 of 4 stars). 2 submissions from 2 submitters: Uncertain significance (1); Likely benign (1). Last evaluated 2024-05-21.

Conditions:
Hereditary cancer-predisposing syndrome. Also called: Neoplastic Syndromes, Hereditary; Tumor predisposition; Hereditary Cancer Syndrome; Hereditary neoplastic syndrome. Identifiers: Orphanet 140162, MedGen C0027672, MeSH D009386, MONDO:0015356.
Familial cancer of breast. Also called: BREAST CANCER, FAMILIAL; Hereditary breast cancer; hereditary breast carcinoma. Identifiers: Orphanet 227535, MedGen C0346153, MONDO:0016419, OMIM 114480. Disease mechanism: loss of function.

Submissions (2):

Labcorp Genetics (formerly Invitae), Labcorp
Classification: Uncertain significance for Familial cancer of breast. Last evaluated: 2024-05-21. Review status: criteria provided, single submitter. Criteria: Invitae Variant Classification Sherloc (09022015). Collection method: clinical testing. Allele origin: germline.
Comment: This sequence change falls in intron 1 of the BARD1 gene. It does not directly change the encoded amino acid sequence of the BARD1 protein. It affects a nucleotide within the consensus splice site. This variant is not present in population databases (gnomAD no frequency). This variant has not been reported in the literature in individuals affected with BARD1-related conditions. ClinVar contains an entry for this variant (Variation ID: 1775679). Variants that disrupt the consensus splice site are a relatively common cause of aberrant splicing (PMID: 17576681, 9536098). Algorithms developed to predict the effect of sequence changes on RNA splicing suggest that this variant is not likely to affect RNA splicing. In summary, the available evidence is currently insufficient to determine the role of this variant in disease. Therefore, it has been classified as a Variant of Uncertain Significance.

Ambry Genetics
Classification: Likely benign for Hereditary cancer-predisposing syndrome. Last evaluated: 2014-07-07. Review status: criteria provided, single submitter. Criteria: Ambry Variant Classification Scheme 2023. Collection method: clinical testing. Allele origin: germline.

Literature cited by the submitters: PubMed 17576681 (cited by Labcorp Genetics (formerly Invitae), Labcorp); PubMed 9536098 (cited by Labcorp Genetics (formerly Invitae), Labcorp).